The following is an entry in ClinVar:

ClinVar aggregate classification (germline): Conflicting classifications of pathogenicity. Review status: criteria provided, conflicting classifications (1 of 4 stars). 4 submissions from 4 submitters: Uncertain significance (2); Likely benign (2). Last evaluated 2026-01-26.

Conditions:
Age related macular degeneration 1 (ARMD1). Also called: MACULOPATHY, AGE-RELATED, 1. Identifiers: MedGen C1864205, MONDO:0011285, OMIM 603075.
HMCN1-related disorder. Also called: HMCN1-related condition.

Allele frequency attached by ClinVar (database versions not stated): TOPMed 0.00057; ESP Exome Variant Server 0.00085; 1000 Genomes Project 30x 0.00109; 1000 Genomes Project 0.00120.
gnomAD v4.1: 1,148 of 1,613,978 alleles (0.071%); highest among the groups gnomAD compares: Admixed American, 0.12%; 1 homozygote.

Submissions (4):

Labcorp Genetics (formerly Invitae), Labcorp
Classification: Likely benign. Last evaluated: 2026-01-26. Review status: criteria provided, single submitter. Criteria: Invitae Variant Classification Sherloc (09022015). Collection method: clinical testing. Allele origin: germline.

Ambry Genetics
Classification: Uncertain significance. Last evaluated: 2025-08-05. Review status: criteria provided, single submitter. Criteria: Ambry Variant Classification Scheme 2023. Collection method: clinical testing. Allele origin: germline.

PreventionGenetics, part of Exact Sciences
Classification: Likely benign for HMCN1-related condition. Last evaluated: 2025-03-20. Review status: criteria provided, single submitter. Criteria: ACMG Guidelines, 2015. Collection method: clinical testing. Allele origin: germline.
Comment: This variant is classified as likely benign based on ACMG/AMP sequence variant interpretation guidelines (Richards et al. 2015 PMID: 25741868, with internal and published modifications).

Illumina Laboratory Services, Illumina
Classification: Uncertain significance for Age related macular degeneration 1. Last evaluated: 2018-01-12. Review status: criteria provided, single submitter. Criteria: ICSL Variant Classification Criteria 13 December 2019. Collection method: clinical testing. Allele origin: germline.

NM_031935.3(HMCN1):c.10982G>C (p.Arg3661Pro)

Gene: HMCN1 (hemicentin 1; plus strand). Cytogenetic location: 1q31.1.
Variant type: single nucleotide variant.
Coding change: c.10982G>C on transcript NM_031935.3 (MANE Select); coding-DNA position 10982, G replaced by C.
Protein change: p.Arg3661Pro; replaces arginine 3661 with proline.
Molecular consequence: missense variant.
Genome position (GRCh38, 1-based): chr1:186,108,590, G>C. VCF-style: chr1-186108590-G-C. GRCh37 (hg19) VCF-style: chr1-186077722-G-C.
Other names: short protein forms R3661P.
Identifiers: ClinVar variation 294223 (VCV000294223.13), dbSNP rs141818688, ClinGen allele CA1293874.
Genomic context (GRCh38, chr1:186,108,590, plus strand): 5'-TGGAATGCAAGTCAGATGCAGTGCCCCCACCTGTAATTACTTGGCTCAGAAATGGAGAAC[G>C]GTTACAGGTAAATTTTTTGATAAGCTCCACAAATTCCTTTTTGAGATGAAAAAAGTAAAA-3'
Protein context (NP_114141.2, residues 3651-3671): PVITWLRNGE[Arg3661Pro]LQATPRVRIL